The following is an entry in ClinVar:

ClinVar aggregate classification (germline): Pathogenic. Review status: criteria provided, multiple submitters, no conflicts (2 of 4 stars). 8 submissions from 8 submitters: Pathogenic (7). 1 of the submissions does not count toward it. Last evaluated 2025-11-17.

Conditions:
GATA3-related disorder. Also called: GATA3-related condition.
Hypoparathyroidism, deafness, renal disease syndrome (HDRS). Also called: HYPOPARATHYROIDISM, SENSORINEURAL DEAFNESS, AND RENAL DYSPLASIA SYNDROME. Identifiers: Orphanet 2237, MedGen C1840333, MONDO:0007797, OMIM 146255.

Submissions (8):

PreventionGenetics, part of Exact Sciences
Classification: Pathogenic for GATA3-related condition. Last evaluated: 2025-11-17. Review status: criteria provided, single submitter. Criteria: ACMG Guidelines, 2015. Collection method: clinical testing. Allele origin: germline.
Comment: The GATA3 c.1099C>T variant is predicted to result in premature protein termination (p.Arg367*). This variant has been reported multiple times in individuals presenting with hypoparathyroidism, deafness, and renal dysplasia (HDR syndrome) (Muroya et al 2001. PubMed ID: 11389161; Sun et al. 2009. PubMed ID: 19253381; Martins et al. 2018. PubMed ID: 30534854). This variant has not been reported in a large population database, indicating this variant is rare. Nonsense variants in GATA3 are expected to be pathogenic. This variant is interpreted as pathogenic.

3billion
Classification: Pathogenic for Hypoparathyroidism, deafness, renal disease syndrome. Last evaluated: 2025-06-24. Review status: criteria provided, single submitter. Criteria: ACMG Guidelines, 2015. Collection method: clinical testing. Allele origin: germline. Affected: yes.
Comment: The variant is not observed in the gnomAD v4.1.0 dataset. Predicted Consequence/Location: Stop-gained (nonsense): predicted to result in a loss or disruption of normal protein function through protein truncation. The predicted truncated protein may be shortened by more than 10%. The variant has been reported at least twice as pathogenic with clinical assertions and evidence for the classification (ClinVar ID: VCV000016626 /PMID: 11389161 /3billion dataset). Therefore, this variant is classified as Pathogenic according to the recommendation of ACMG/AMP guideline.

Labcorp Genetics (formerly Invitae), Labcorp
Classification: Pathogenic. Last evaluated: 2024-07-10. Review status: criteria provided, single submitter. Criteria: Invitae Variant Classification Sherloc (09022015). Collection method: clinical testing. Allele origin: germline.
Comment: This sequence change creates a premature translational stop signal (p.Arg367*) in the GATA3 gene. While this is not anticipated to result in nonsense mediated decay, it is expected to disrupt the last 78 amino acid(s) of the GATA3 protein. This variant is not present in population databases (gnomAD no frequency). This premature translational stop signal has been observed in individuals with hypoparathyroidism, sensorineural deafness, and renal dysplasia (HDR) syndrome (PMID: 11389161, 25137426, 26316437, 30534854). ClinVar contains an entry for this variant (Variation ID: 16626). Algorithms developed to predict the effect of sequence changes on RNA splicing suggest that this variant may disrupt the consensus splice site. For these reasons, this variant has been classified as Pathogenic.

Blueprint Genetics
Classification: Pathogenic for GATA3-related disorders. Last evaluated: 2024-07-03. Review status: criteria provided, single submitter. Criteria: ACMG Guidelines, 2015. Collection method: clinical testing. Allele origin: de novo. Affected: yes. Observed: 3 variant alleles.

Victorian Clinical Genetics Services, Murdoch Childrens Research Institute
Classification: Pathogenic for Hypoparathyroidism, deafness, renal disease syndrome. Last evaluated: 2023-07-16. Review status: criteria provided, single submitter. Criteria: ACMG Guidelines, 2015. Collection method: clinical testing. Allele origin: germline. Inheritance: Autosomal dominant inheritance. Affected: yes.
Comment: Based on the classification scheme VCGS_Germline_v1.3.4, this variant is classified as Pathogenic. Following criteria are met: 0103 - Loss of function is a known mechanism of disease in this gene and is associated with hypoparathyroidism, sensorineural deafness, and renal dysplasia (MIM#146255). In addition, dominant-negative has been proven for a single missense variant (PMID: 21120445). (I) 0107 - This gene is associated with autosomal dominant disease. (I) 0115 - This variant is known to have variable expressivity (PMID: 26316437, 30534854). (I) 0205 - Variant is predicted to result in a truncated protein (premature termination codon is NOT located at least 54 nucleotides upstream of the final exon-exon junction) with less than 1/3 of the protein sequence affected. (SP) 0251 - This variant is heterozygous. (I) 0301 - Variant is absent from gnomAD (both v2 and v3). (SP) 0600 - Variant results in the loss of the annotated DNA binding residue (NCBI). (I) 0704 - Another protein truncating variant (PTV) comparable to the one identified in this case has limited previous evidence for pathogenicity. p.(His380Glnfs*5) has been reported as likely pathogenic (ClinVar). (SP) 0801 - This variant has strong previous evidence of pathogenicity in unrelated individuals. This variant has been reported as pathogenic, and observed multiple times as de novo in patients with hypoparathyroidism, sensorineural deafness and renal dysplasia (ClinVar, PMID: 26316437, 30534854, 11389161). (SP) Legend: (SP) - Supporting pathogenic, (I) - Information, (SB) - Supporting benign

MVZ Medizinische Genetik Mainz
Classification: Pathogenic for Hypoparathyroidism, deafness, renal disease syndrome. Last evaluated: 2023-06-23. Review status: criteria provided, single submitter. Criteria: UK Practice Guidelines For Variant Classification V4 01 2020. Collection method: clinical testing. Allele origin: germline. Inheritance: Autosomal dominant inheritance. Affected: yes. Observed: 1 variant allele.
Comment: ACMG Criteria: PVS1,PS4,PM6,PM2_SUP,PP1

GeneDx
Classification: Pathogenic. Last evaluated: 2022-01-04. Review status: criteria provided, single submitter. Criteria: GeneDx Variant Classification Process June 2021. Collection method: clinical testing. Allele origin: germline. Affected: yes.
Comment: Nonsense variant in the C-terminus predicted to result in protein truncation, as the last 78 amino acids are lost, and other loss-of-function variants have been reported downstream in the Human Gene Mutation Database (HGMD); Not observed at significant frequency in large population cohorts (gnomAD); This variant is associated with the following publications: (PMID: 11389161, 23757620, 26777049, 17309062, 28303854, 14985365, 19253381, 26384470, 30534854, 26316437, 24077912)

OMIM
Classification: Pathogenic for HYPOPARATHYROIDISM, SENSORINEURAL DEAFNESS, AND RENAL DYSPLASIA SYNDROME. Last evaluated: 2009-02-15. Review status: no assertion criteria provided. Collection method: literature only. Allele origin: germline. Not counted in ClinVar's aggregate classification.

Literature cited by the submitters: PubMed 11389161 (cited by 4 submitters); PubMed 25137426 (cited by Labcorp Genetics (formerly Invitae), Labcorp); PubMed 26316437 (cited by Labcorp Genetics (formerly Invitae), Labcorp and Victorian Clinical Genetics Services, Murdoch Childrens Research Institute); PubMed 30534854 (cited by Labcorp Genetics (formerly Invitae), Labcorp and Victorian Clinical Genetics Services, Murdoch Childrens Research Institute); PubMed 21120445 (cited by Victorian Clinical Genetics Services, Murdoch Childrens Research Institute); PubMed 19253381 (cited by OMIM).

NM_001002295.2(GATA3):c.1099C>T (p.Arg367Ter)

Gene: GATA3 (GATA binding protein 3; plus strand). Cytogenetic location: 10p14.
Variant type: single nucleotide variant.
Coding change: c.1099C>T on transcript NM_001002295.2 (MANE Select); coding-DNA position 1099, C replaced by T.
Protein change: p.Arg367Ter; replaces arginine 367 with a stop codon.
Molecular consequence: nonsense.
Genome position (GRCh38, 1-based): chr10:8,073,787, C>T. VCF-style: chr10-8073787-C-T. GRCh37 (hg19) VCF-style: chr10-8115750-C-T.
Other names: c.1096C>T, p.Arg366Ter (NM_002051.3); short protein forms R367*, R366*.
Identifiers: ClinVar variation 16626 (VCV000016626.17), dbSNP rs104894164, ClinGen allele CA126736.
Genomic context (GRCh38, chr10:8,073,787, plus strand): 5'-ATCTTTGTTTAGATTAACAGACCCCTGACTATGAAGAAGGAAGGCATCCAGACCAGAAAC[C>T]GAAAAATGTCTAGCAAATCCAAAAAGTGCAAAAAAGTGCATGACTCACTGGAGGACTTCC-3'